The following is an entry in ClinVar:

ClinVar aggregate classification (germline): Conflicting classifications of pathogenicity. Review status: criteria provided, conflicting classifications (1 of 4 stars). 6 submissions from 6 submitters: Uncertain significance (5); Likely benign (1). Last evaluated 2024-08-29.

Conditions:
Ataxia - intellectual disability - oculomotor apraxia - cerebellar cysts syndrome. Also called: Poretti-Boltshauser syndrome. Identifiers: Orphanet 370022, MedGen C4014821, MONDO:0014419, OMIM 615960.
Inborn genetic diseases. Identifiers: MedGen C0950123, MeSH D030342.

Allele frequency attached by ClinVar (database versions not stated): ESP Exome Variant Server 0.00015; 1000 Genomes Project 30x 0.00016; 1000 Genomes Project 0.00020; ExAC 0.00026; gnomAD exomes 0.00033 and 0.00051; gnomAD 0.00038; TOPMed 0.00042.
gnomAD v4.1: 797 of 1,614,140 alleles (0.049%); highest among the groups gnomAD compares: Admixed American, 0.085%; no homozygotes.

Submissions (6):

Blueprint Genetics
Classification: Likely benign. Last evaluated: 2024-08-29. Review status: criteria provided, single submitter. Criteria: ACMG Guidelines, 2015. Collection method: clinical testing. Allele origin: germline.

Mayo Clinic Laboratories, Mayo Clinic
Classification: Uncertain significance. Last evaluated: 2023-05-26. Review status: criteria provided, single submitter. Criteria: ACMG Guidelines, 2015. Collection method: clinical testing. Allele origin: germline. Observed: 1 variant allele.
Comment: BP4

GeneDx
Classification: Uncertain significance. Last evaluated: 2023-02-02. Review status: criteria provided, single submitter. Criteria: GeneDx Variant Classification Process June 2021. Collection method: clinical testing. Allele origin: germline. Affected: yes.
Comment: In silico analysis supports that this missense variant does not alter protein structure/function; Has not been previously published as pathogenic or benign to our knowledge

Labcorp Genetics (formerly Invitae), Labcorp
Classification: Uncertain significance. Last evaluated: 2022-10-24. Review status: criteria provided, single submitter. Criteria: Invitae Variant Classification Sherloc (09022015). Collection method: clinical testing. Allele origin: germline.
Comment: This sequence change replaces arginine, which is basic and polar, with glutamine, which is neutral and polar, at codon 2396 of the LAMA1 protein (p.Arg2396Gln). This variant is present in population databases (rs200776408, gnomAD 0.09%). This variant has not been reported in the literature in individuals affected with LAMA1-related conditions. ClinVar contains an entry for this variant (Variation ID: 1028395). Algorithms developed to predict the effect of missense changes on protein structure and function are either unavailable or do not agree on the potential impact of this missense change (SIFT: "Tolerated"; PolyPhen-2: "Possibly Damaging"; Align-GVGD: "Class C0"). In summary, the available evidence is currently insufficient to determine the role of this variant in disease. Therefore, it has been classified as a Variant of Uncertain Significance.

Ambry Genetics
Classification: Uncertain significance for Inborn genetic diseases. Last evaluated: 2021-10-09. Review status: criteria provided, single submitter. Criteria: Ambry Variant Classification Scheme 2023. Collection method: clinical testing. Allele origin: germline.

Baylor Genetics
Classification: Uncertain significance for Ataxia - intellectual disability - oculomotor apraxia - cerebellar cysts syndrome. Last evaluated: 2019-02-12. Review status: criteria provided, single submitter. Criteria: ACMG Guidelines, 2015. Collection method: clinical testing. Allele origin: unknown. Affected: yes.
Comment: This variant was determined to be of uncertain significance according to ACMG Guidelines, 2015 [PMID:25741868].

NM_005559.4(LAMA1):c.7187G>A (p.Arg2396Gln)

Gene: LAMA1 (laminin subunit alpha 1; minus strand). Cytogenetic location: 18p11.31.
Variant type: single nucleotide variant.
Coding change: c.7187G>A on transcript NM_005559.4 (MANE Select); coding-DNA position 7187, G replaced by A.
Protein change: p.Arg2396Gln; replaces arginine 2396 with glutamine.
Molecular consequence: missense variant.
Genome position (GRCh38, 1-based): chr18:6,965,296, C>T on the plus strand (G>A on the coding strand, the complement: LAMA1 is on the minus strand). VCF-style: chr18-6965296-C-T. GRCh37 (hg19) VCF-style: chr18-6965295-C-T.
Other names: p.Arg2396Gln; short protein forms R2396Q.
Identifiers: ClinVar variation 1028395 (VCV001028395.10), dbSNP rs200776408, ClinGen allele CA8880988.